The following is an entry in ClinVar:

NM_015559.3(SETBP1):c.2962A>G (p.Ile988Val)

Gene: SETBP1 (SET binding protein 1; plus strand). Cytogenetic location: 18q12.3.
Variant type: single nucleotide variant.
Coding change: c.2962A>G on transcript NM_015559.3 (MANE Select); coding-DNA position 2962, A replaced by G.
Protein change: p.Ile988Val; replaces isoleucine 988 with valine.
Molecular consequence: missense variant.
Genome position (GRCh38, 1-based): chr18:44,952,302, A>G. VCF-style: chr18-44952302-A-G. GRCh37 (hg19) VCF-style: chr18-42532267-A-G.
Other names: c.2962A>G, p.Ile988Val (NM_001379142.1, NM_001379141.1); short protein forms I988V.
Identifiers: ClinVar variation 1314800 (VCV001314800.2), dbSNP rs2145109066, ClinGen allele CA402322771.

ClinVar aggregate classification (germline): Uncertain significance (1 of 4 stars; one submission).

Submission:

GeneDx
Classification: Uncertain significance. Last evaluated: 2021-04-22. Review status: criteria provided, single submitter. Criteria: GeneDx Variant Classification Process June 2021. Collection method: clinical testing. Allele origin: germline. Affected: yes.
Comment: Not observed in large population cohorts (Lek et al., 2016); In silico analysis supports that this missense variant does not alter protein structure/function; Has not been previously published as pathogenic or benign to our knowledge